The following is an entry in ClinVar:

NM_175914.5(HNF4A):c.408G>A (p.Ala136=)

Gene: HNF4A (hepatocyte nuclear factor 4 alpha; plus strand). Cytogenetic location: 20q13.12.
Variant type: single nucleotide variant.
Coding change: c.408G>A on transcript NM_175914.5 (MANE Select); coding-DNA position 408, G replaced by A.
Protein change: p.Ala136=; no amino-acid change (alanine 136 retained).
Molecular consequence: synonymous variant.
Genome position (GRCh38, 1-based): chr20:44,413,782, G>A. VCF-style: chr20-44413782-G-A. GRCh37 (hg19) VCF-style: chr20-43042422-G-A.
Other names: NM_175914.5(HNF4A):c.408G>A; p.Ala136=; c.408G>A (NM_175914.3, NM_175914.4); c.474G>A, p.Ala158= (NM_000457.6, NM_178849.3, NM_178850.3); c.408G>A, p.Ala136= (NM_001030003.3, NM_001030004.3); c.453G>A, p.Ala151= (NM_001258355.2); c.399G>A, p.Ala133= (NM_001287182.2, NM_001287183.2, NM_001287184.2).
Identifiers: ClinVar variation 586015 (VCV000586015.12), dbSNP rs374298096, ClinGen allele CA9870243.

ClinVar aggregate classification (germline): Likely benign. Review status: reviewed by expert panel (3 of 4 stars). 8 submissions from 8 submitters: Likely benign (1). 7 of the submissions do not count toward it. Last evaluated 2023-01-12.

Conditions:
Maturity-onset diabetes of the young (MODY). Also called: Maturity onset diabetes mellitus in young. Identifiers: Orphanet 552, MedGen C0342276, MONDO:0018911, HP:0004904.
Monogenic diabetes. Identifiers: Orphanet 183625, MedGen C3888631, MONDO:0015967.

Allele frequency attached by ClinVar (database versions not stated): gnomAD exomes 0.00005 and 0.00014; ESP Exome Variant Server 0.00008; gnomAD 0.00008 and 0.00009; ExAC 0.00010; TOPMed 0.00011.
gnomAD v4.1: 91 of 1,612,712 alleles (0.0056%); highest among the groups gnomAD compares: South Asian, 0.0044%; no homozygotes.

Submissions (8):

ClinGen Monogenic Diabetes Variant Curation Expert Panel
Classification: Likely benign for Monogenic diabetes. Last evaluated: 2023-01-12. Review status: reviewed by expert panel. Criteria: MDEP HNF4A Specificiations 1.0.0. Collection method: curation. Allele origin: germline. Inheritance: Autosomal dominant inheritance.
Comment: The c.408G>A variant in the hepatocyte nuclear factor 4 alpha gene, HNF4A, is a synonymous (silent) variant at codon 136 (p.(Ala136=)) of NM_175914.5. This variant is not predicted by SpliceAI to impact splicing (SpliceAI scores less than the MDEP cutoff of 0.2) and is not highly conserved (phyloP100way score of -1.087, which is below the MDEP cutoff of 2.0) (BP4, BP7). The Popmax frequency of the c.408G>A variant in gnomAD v2.1.1 is 0.00002619, which falls between ClinGen MDEP-established cutoffs for PM2_Supporting and BS1; thus, neither criterion will be applied. In summary, c.408G>A meets the criteria to be classified as likely benign for monogenic diabetes. ACMG/AMP criteria applied, as specified by the ClinGen MDEP VCEP (specification version 1.0, approved 11/16/22): BP4, BP7.

Mayo Clinic Laboratories, Mayo Clinic
Classification: Likely benign. Last evaluated: 2025-12-07. Review status: criteria provided, single submitter. Criteria: ACMG Guidelines, 2015. Collection method: clinical testing. Allele origin: germline. Observed: 1 variant allele. Not counted in ClinVar's aggregate classification.
Comment: BP4, BP7

Athena Diagnostics
Classification: Benign. Last evaluated: 2025-09-25. Review status: criteria provided, single submitter. Criteria: Athena Diagnostics Criteria. Collection method: clinical testing. Allele origin: unknown. Not counted in ClinVar's aggregate classification.
Comment: The frequency of this variant in the general population is higher than would generally be expected for pathogenic variants in this gene.

Labcorp Genetics (formerly Invitae), Labcorp
Classification: Benign. Last evaluated: 2024-10-19. Review status: criteria provided, single submitter. Criteria: Invitae Variant Classification Sherloc (09022015). Collection method: clinical testing. Allele origin: germline. Not counted in ClinVar's aggregate classification.

Ambry Genetics
Classification: Likely benign for Maturity-onset diabetes of the young. Last evaluated: 2024-09-17. Review status: criteria provided, single submitter. Criteria: Ambry Variant Classification Scheme 2023. Collection method: clinical testing. Allele origin: germline. Not counted in ClinVar's aggregate classification.

Blueprint Genetics
Classification: Likely benign. Last evaluated: 2024-08-30. Review status: criteria provided, single submitter. Criteria: ACMG Guidelines, 2015. Collection method: clinical testing. Allele origin: germline. Not counted in ClinVar's aggregate classification.

Breakthrough Genomics
Classification: Benign. Review status: criteria provided, single submitter. Criteria: ACMG Guidelines, 2015. Collection method: not provided. Allele origin: germline. Inheritance: Autosomal dominant inheritance. Affected: yes. Not counted in ClinVar's aggregate classification.

Clinical Genomics, Uppaluri K&H Personalized Medicine Clinic
Classification: Benign for Maturity-onset diabetes of the young. Review status: criteria provided, single submitter. Criteria: K & H Uppaluri Personalized Medicine Clinic Variant Classification & Assertion Criteria_Updated V.1. Collection method: research. Allele origin: unknown. Inheritance: Autosomal dominant inheritance. Not counted in ClinVar's aggregate classification.
Comment: Potent mutations in HNF4A are associated with poor insulin secretion in response to hyperglycemia. Associated with MODY1. Patients initially respond well to sulfonylureas but eventually become insulin dependent. However, more evidence is required to ascertain the role of this particular variant rs374298096 in MODY, yet.

Literature cited by the submitters: PubMed 16883527 (cited by Athena Diagnostics); DOI 10.1159/000334532 (cited by Clinical Genomics, Uppaluri K&H Personalized Medicine Clinic); PubMed 18268044 (cited by Clinical Genomics, Uppaluri K&H Personalized Medicine Clinic); PubMed 17563455 (cited by Clinical Genomics, Uppaluri K&H Personalized Medicine Clinic); PubMed 32583173 (cited by Clinical Genomics, Uppaluri K&H Personalized Medicine Clinic); PubMed 35052457 (cited by Clinical Genomics, Uppaluri K&H Personalized Medicine Clinic); PubMed 35118593 (cited by Clinical Genomics, Uppaluri K&H Personalized Medicine Clinic).